The following is an entry in ClinVar:

NM_003001.5(SDHC):c.118del (p.Arg40fs)

Gene: SDHC (succinate dehydrogenase complex subunit C; plus strand). Cytogenetic location: 1q23.3.
Variant type: Deletion.
Coding change: c.118del on transcript NM_003001.5 (MANE Select); coding-DNA position 118, one base deleted (C; older notation c.118delC).
Protein change: p.Arg40fs; shifts the reading frame from arginine 40.
Molecular consequence: frameshift variant. On other transcripts: non-coding transcript variant (1), intron variant (4).
Genome position (GRCh38, 1-based): chr1:161,328,436, C deleted. VCF-style (leftmost placement, unchanged base first): chr1-161328435-GC-G. GRCh37 (hg19) VCF-style: chr1-161298225-GC-G.
Other names: c.118del, p.Arg40fs (NM_001035511.3, NM_001407115.1); c.61del, p.Arg21fs (NM_001407116.1, NM_001407117.1, NM_001407121.1); c.7del, p.Arg3fs (NM_001407119.1, NM_001407120.1); c.77+4766del (NM_001035512.3, NM_001278172.3, NM_001407118.1); c.21-12158del (NM_001035513.3); short protein forms R40fs, R21fs, R3fs.
Identifiers: ClinVar variation 1744549 (VCV001744549.5), dbSNP rs2526364684, ClinGen allele CA2580061310.

ClinVar aggregate classification (germline): Pathogenic. Review status: criteria provided, multiple submitters, no conflicts (2 of 4 stars). 3 submissions from 3 submitters: Pathogenic (3). Last evaluated 2025-01-02.

Conditions:
Hereditary cancer-predisposing syndrome. Also called: Neoplastic Syndromes, Hereditary; Tumor predisposition; Hereditary Cancer Syndrome; Hereditary neoplastic syndrome. Identifiers: Orphanet 140162, MedGen C0027672, MeSH D009386, MONDO:0015356.
Pheochromocytoma/paraganglioma syndrome 3. Also called: GLOMUS TUMORS, FAMILIAL, 3; Paragangliomas 3; SDHC-Related Hereditary Paraganglioma-Pheochromocytoma Syndrome (Paragangliomas 3); SDHC-Related Hereditary Paraganglioma-Pheochromocytoma Syndrome. Identifiers: Orphanet 29072, MedGen C1854336, MONDO:0011544, OMIM 605373.
Gastrointestinal stromal tumor. Also called: Gastrointestinal stromal tumor, somatic; Gastrointestinal stroma tumor. Identifiers: Orphanet 44890, MedGen C0238198, MeSH D046152, MONDO:0011719, OMIM 606764, HP:0100723.

Submissions (3):

Labcorp Genetics (formerly Invitae), Labcorp
Classification: Pathogenic for Pheochromocytoma/paraganglioma syndrome 3; Gastrointestinal stromal tumor. Last evaluated: 2025-01-02. Review status: criteria provided, single submitter. Criteria: Invitae Variant Classification Sherloc (09022015). Collection method: clinical testing. Allele origin: germline.
Comment: This sequence change creates a premature translational stop signal (p.Arg40Glyfs*7) in the SDHC gene. It is expected to result in an absent or disrupted protein product. Loss-of-function variants in SDHC are known to be pathogenic (PMID: 17667967, 19454582, 23282968, 24758179). This variant is not present in population databases (gnomAD no frequency). This variant has not been reported in the literature in individuals affected with SDHC-related conditions. ClinVar contains an entry for this variant (Variation ID: 1744549). Algorithms developed to predict the effect of sequence changes on RNA splicing suggest that this variant may disrupt the consensus splice site. For these reasons, this variant has been classified as Pathogenic.

Myriad Genetics, Inc.
Classification: Pathogenic for Pheochromocytoma/paraganglioma syndrome 3. Last evaluated: 2023-03-17. Review status: criteria provided, single submitter. Criteria: Myriad Autosomal Dominant, Autosomal Recessive and X-Linked Classification Criteria (2023). Collection method: clinical testing. Allele origin: unknown.
Comment: This variant is considered pathogenic. This variant creates a frameshift predicted to result in premature protein truncation.

Ambry Genetics
Classification: Pathogenic for Hereditary cancer-predisposing syndrome. Last evaluated: 2021-12-24. Review status: criteria provided, single submitter. Criteria: Ambry Variant Classification Scheme 2023. Collection method: clinical testing. Allele origin: germline.
Comment: The c.118delC pathogenic mutation, located in coding exon 3 of the SDHC gene, results from a deletion of one nucleotide at nucleotide position 118, causing a translational frameshift with a predicted alternate stop codon (p.R40Gfs*7). In silico splice site analysis predicts that this alteration will weaken the native splice acceptor site; however, the impacted region is critical for protein function (Ambry internal data). This alteration has been observed in at least one individual with a personal and/or family history that is consistent with SDHC-related disease (Ambry internal data). This variant is considered to be rare based on population cohorts in the Genome Aggregation Database (gnomAD). This alteration is expected to result in loss of function by premature protein truncation or nonsense-mediated mRNA decay. As such, this alteration is interpreted as a disease-causing mutation.

Literature cited by the submitters: PubMed 17667967 (cited by Labcorp Genetics (formerly Invitae), Labcorp); PubMed 19454582 (cited by Labcorp Genetics (formerly Invitae), Labcorp); PubMed 23282968 (cited by Labcorp Genetics (formerly Invitae), Labcorp); PubMed 24758179 (cited by Labcorp Genetics (formerly Invitae), Labcorp).